The following is an entry in ClinVar:

NM_000051.4(ATM):c.2672C>T (p.Ser891Leu)

Gene: ATM (ATM serine/threonine kinase; plus strand). Cytogenetic location: 11q22.3.
Variant type: single nucleotide variant.
Coding change: c.2672C>T on transcript NM_000051.4 (MANE Select); coding-DNA position 2672, C replaced by T.
Protein change: p.Ser891Leu; replaces serine 891 with leucine.
Molecular consequence: missense variant.
Genome position (GRCh38, 1-based): chr11:108,268,443, C>T. VCF-style: chr11-108268443-C-T. GRCh37 (hg19) VCF-style: chr11-108139170-C-T.
Other names: c.2672C>T, p.Ser891Leu (NM_001351834.2); short protein forms S891L.
Identifiers: ClinVar variation 1464137 (VCV001464137.5), dbSNP rs876660780, ClinGen allele CA382545109.

ClinVar aggregate classification (germline): Uncertain significance (1 of 4 stars; one submission).

Conditions:
Ataxia-telangiectasia syndrome (AT). Also called: Ataxia-telangiectasia, complementation group D; AT, COMPLEMENTATION GROUP C; Cerebello-oculocutaneous telangiectasia; Immunodeficiency with ataxia telangiectasia; Ataxia-telangiectasia, complementation group E; LOUIS-BAR SYNDROME. Identifiers: Orphanet 100, MedGen C0004135, MONDO:0008840, OMIM 208900.

Submission:

Labcorp Genetics (formerly Invitae), Labcorp
Classification: Uncertain significance for Ataxia-telangiectasia syndrome. Last evaluated: 2021-08-14. Review status: criteria provided, single submitter. Criteria: Invitae Variant Classification Sherloc (09022015). Collection method: clinical testing. Allele origin: germline.
Comment: This sequence change replaces serine with leucine at codon 891 of the ATM protein (p.Ser891Leu). The serine residue is weakly conserved and there is a large physicochemical difference between serine and leucine. This variant is not present in population databases (ExAC no frequency). This variant has not been reported in the literature in individuals affected with ATM-related conditions. Advanced modeling of protein sequence and biophysical properties (such as structural, functional, and spatial information, amino acid conservation, physicochemical variation, residue mobility, and thermodynamic stability) performed at Invitae indicates that this missense variant is not expected to disrupt ATM protein function. In summary, the available evidence is currently insufficient to determine the role of this variant in disease. Therefore, it has been classified as a Variant of Uncertain Significance.